The following is an entry in ClinVar:

NM_006420.3(ARFGEF2):c.979A>G (p.Ile327Val)

Gene: ARFGEF2 (ARF guanine nucleotide exchange factor 2; plus strand). Cytogenetic location: 20q13.13.
Variant type: single nucleotide variant.
Coding change: c.979A>G on transcript NM_006420.3 (MANE Select); coding-DNA position 979, A replaced by G.
Protein change: p.Ile327Val; replaces isoleucine 327 with valine.
Molecular consequence: missense variant.
Genome position (GRCh38, 1-based): chr20:48,965,943, A>G. VCF-style: chr20-48965943-A-G. GRCh37 (hg19) VCF-style: chr20-47582480-A-G.
Other names: c.979A>G (NM_006420.2); c.976A>G, p.Ile326Val (NM_001410846.1); short protein forms I326V, I327V.
Identifiers: ClinVar variation 2086830 (VCV002086830.5), dbSNP rs767312168, ClinGen allele CA9898293.

ClinVar aggregate classification (germline): Conflicting classifications of pathogenicity. Review status: criteria provided, conflicting classifications (1 of 4 stars). 2 submissions from 2 submitters: Uncertain significance (1); Likely benign (1). Last evaluated 2024-03-18.

Conditions:
Inborn genetic diseases. Identifiers: MedGen C0950123, MeSH D030342.

Allele frequency attached by ClinVar (database versions not stated): gnomAD 0.00003; TOPMed 0.00003; ExAC 0.00014.
gnomAD v4.1: 79 of 1,614,108 alleles (0.0049%); highest among the groups gnomAD compares: South Asian, 0.061%; no homozygotes.

Submissions (2):

Ambry Genetics
Classification: Likely benign for Inborn genetic diseases. Last evaluated: 2024-03-18. Review status: criteria provided, single submitter. Criteria: Ambry Variant Classification Scheme 2023. Collection method: clinical testing. Allele origin: germline.

Labcorp Genetics (formerly Invitae), Labcorp
Classification: Uncertain significance. Last evaluated: 2022-08-21. Review status: criteria provided, single submitter. Criteria: Invitae Variant Classification Sherloc (09022015). Collection method: clinical testing. Allele origin: germline.
Comment: In summary, the available evidence is currently insufficient to determine the role of this variant in disease. Therefore, it has been classified as a Variant of Uncertain Significance. Algorithms developed to predict the effect of missense changes on protein structure and function output the following: SIFT: "Tolerated"; PolyPhen-2: "Benign"; Align-GVGD: "Class C0". The valine amino acid residue is found in multiple mammalian species, which suggests that this missense change does not adversely affect protein function. This variant has not been reported in the literature in individuals affected with ARFGEF2-related conditions. This variant is present in population databases (rs767312168, gnomAD 0.06%). This sequence change replaces isoleucine, which is neutral and non-polar, with valine, which is neutral and non-polar, at codon 327 of the ARFGEF2 protein (p.Ile327Val).